The following is an entry in ClinVar:

NM_000051.4(ATM):c.2618G>T (p.Gly873Val)

Gene: ATM (ATM serine/threonine kinase; plus strand). Cytogenetic location: 11q22.3.
Variant type: single nucleotide variant.
Coding change: c.2618G>T on transcript NM_000051.4 (MANE Select); coding-DNA position 2618, G replaced by T.
Protein change: p.Gly873Val; replaces glycine 873 with valine.
Molecular consequence: missense variant.
Genome position (GRCh38, 1-based): chr11:108,267,322, G>T. VCF-style: chr11-108267322-G-T. GRCh37 (hg19) VCF-style: chr11-108138049-G-T.
Other names: c.2618G>T, p.Gly873Val (NM_001351834.2); short protein forms G873V.
Identifiers: ClinVar variation 1485847 (VCV001485847.7), dbSNP rs2081312461, ClinGen allele CA382544237.

ClinVar aggregate classification (germline): Uncertain significance (1 of 4 stars; one submission).

Conditions:
Ataxia-telangiectasia syndrome (AT). Also called: LOUIS-BAR SYNDROME; Ataxia-telangiectasia; Cerebello-oculocutaneous telangiectasia; Immunodeficiency with ataxia telangiectasia; ATAXIA-TELANGIECTASIA, COMPLEMENTATION GROUP A; ATAXIA-TELANGIECTASIA, FRESNO VARIANT. Identifiers: Orphanet 100, MedGen C0004135, MONDO:0008840, OMIM 208900.

Submission:

Labcorp Genetics (formerly Invitae), Labcorp
Classification: Uncertain significance for Ataxia-telangiectasia syndrome. Last evaluated: 2024-04-16. Review status: criteria provided, single submitter. Criteria: Invitae Variant Classification Sherloc (09022015). Collection method: clinical testing. Allele origin: germline.
Comment: This sequence change replaces glycine, which is neutral and non-polar, with valine, which is neutral and non-polar, at codon 873 of the ATM protein (p.Gly873Val). This variant is not present in population databases (gnomAD no frequency). This variant has not been reported in the literature in individuals affected with ATM-related conditions. ClinVar contains an entry for this variant (Variation ID: 1485847). An algorithm developed to predict the effect of missense changes on protein structure and function (PolyPhen-2) suggests that this variant¬†is likely to be tolerated. In summary, the available evidence is currently insufficient to determine the role of this variant in disease. Therefore, it has been classified as a Variant of Uncertain Significance.